The following is an entry in ClinVar:

ClinVar aggregate classification (germline): Pathogenic. Review status: criteria provided, multiple submitters, no conflicts (2 of 4 stars). 2 submissions from 2 submitters: Pathogenic (2). Last evaluated 2023-08-06.

Conditions:
Multiple endocrine neoplasia type 4. Also called: MULTIPLE ENDOCRINE NEOPLASIA, TYPE IV. Identifiers: Orphanet 276152, MedGen C1970712, MONDO:0012552, OMIM 610755.
Hereditary cancer-predisposing syndrome. Also called: Hereditary Cancer Syndrome; Neoplastic Syndromes, Hereditary; Hereditary neoplastic syndrome; Tumor predisposition. Identifiers: Orphanet 140162, MedGen C0027672, MeSH D009386, MONDO:0015356.

Submissions (2):

Labcorp Genetics (formerly Invitae), Labcorp
Classification: Pathogenic for Multiple endocrine neoplasia type 4. Last evaluated: 2023-08-06. Review status: criteria provided, single submitter. Criteria: Invitae Variant Classification Sherloc (09022015). Collection method: clinical testing. Allele origin: germline.
Comment: ClinVar contains an entry for this variant (Variation ID: 822910). For these reasons, this variant has been classified as Pathogenic. This variant has not been reported in the literature in individuals affected with CDKN1B-related conditions. This variant is not present in population databases (gnomAD no frequency). This sequence change creates a premature translational stop signal (p.Gln104*) in the CDKN1B gene. It is expected to result in an absent or disrupted protein product. Loss-of-function variants in CDKN1B are known to be pathogenic (PMID: 17030811, 24819502).

Ambry Genetics
Classification: Pathogenic for Hereditary cancer-predisposing syndrome. Last evaluated: 2019-07-01. Review status: criteria provided, single submitter. Criteria: Ambry Variant Classification Scheme 2023. Collection method: clinical testing. Allele origin: germline.
Comment: The p.Q104* pathogenic mutation (also known as c.310C>T), located in coding exon 1 of the CDKN1B gene, results from a C to T substitution at nucleotide position 310. This changes the amino acid from a glutamine to a stop codon within coding exon 1. This alteration is expected to result in loss of function by premature protein truncation or nonsense-mediated mRNA decay. As such, this alteration is interpreted as a disease-causing mutation.

Literature cited by the submitters: PubMed 17030811 (cited by Labcorp Genetics (formerly Invitae), Labcorp); PubMed 24819502 (cited by Labcorp Genetics (formerly Invitae), Labcorp).

NM_004064.5(CDKN1B):c.310C>T (p.Gln104Ter)

Gene: CDKN1B (cyclin dependent kinase inhibitor 1B; plus strand). Cytogenetic location: 12p13.1.
Variant type: single nucleotide variant.
Coding change: c.310C>T on transcript NM_004064.5 (MANE Select); coding-DNA position 310, C replaced by T.
Protein change: p.Gln104Ter; replaces glutamine 104 with a stop codon.
Molecular consequence: nonsense.
Genome position (GRCh38, 1-based): chr12:12,718,149, C>T. VCF-style: chr12-12718149-C-T. GRCh37 (hg19) VCF-style: chr12-12871083-C-T.
Other names: short protein forms Q104*.
Identifiers: ClinVar variation 822910 (VCV000822910.7), dbSNP rs1592281087, ClinGen allele CA383970168.